The following is an entry in ClinVar:

ClinVar aggregate classification (germline): Pathogenic (3 of 4 stars; one submission).

Conditions:
Breast-ovarian cancer, familial, susceptibility to, 1 (BROVCA1). Also called: BRCA1 Hereditary Breast and Ovarian Cancer; OVARIAN CANCER, SUSCEPTIBILITY TO. Identifiers: Orphanet 145, MedGen C2676676, MONDO:0011450, OMIM 604370. Disease mechanism: loss of function.

Submission:

Evidence-based Network for the Interpretation of Germline Mutant Alleles (ENIGMA)
Classification: Pathogenic for Breast-ovarian cancer, familial, susceptibility to, 1. Last evaluated: 2017-12-15. Review status: reviewed by expert panel. Criteria: ENIGMA BRCA1/2 Classification Criteria (2017-06-29). Collection method: curation. Allele origin: germline. Study: ENIGMA.
Comment: Variant allele predicted to encode a truncated non-functional protein.

NM_007294.4(BRCA1):c.5148_5149insC (p.Phe1717fs)

Gene: BRCA1 (BRCA1 DNA repair associated; minus strand). Cytogenetic location: 17q21.31.
Variant type: Insertion.
Coding change: c.5148_5149insC on transcript NM_007294.4 (MANE Select); coding-DNA positions 5148 to 5149, C inserted.
Protein change: p.Phe1717fs; shifts the reading frame from phenylalanine 1717.
Molecular consequence: frameshift variant. On other transcripts: non-coding transcript variant (1).
Genome position: GRCh38 VCF-style: chr17-43063877-A-AG. GRCh37 (hg19) VCF-style: chr17-41215894-A-AG.
Other names: c.4935_4936insC, p.Phe1646Leufs (NM_001407571.1, NM_001407894.1, NM_001407895.1 and 12 more transcripts); c.5214_5215insC, p.Phe1739Leufs (NM_001407581.1, NM_001407582.1); c.5211_5212insC, p.Phe1738Leufs (NM_001407583.1, NM_001407585.1, NM_001407587.1); c.5208_5209insC, p.Phe1737Leufs (NM_001407590.1, NM_001407591.1); c.5148_5149insC, p.Phe1717Leufs (NM_001407593.1, NM_001407594.1, NM_001407596.1 and 7 more transcripts); c.5145_5146insC, p.Phe1716Leufs (NM_001407610.1, NM_001407611.1, NM_001407612.1 and 17 more transcripts); c.5142_5143insC, p.Phe1715Leufs (NM_001407627.1, NM_001407628.1, NM_001407629.1 and 14 more transcripts); c.5139_5140insC, p.Phe1714Leufs (NM_001407644.1, NM_001407645.1); and 74 more; short protein forms F1670fs, F613fs, F1717fs, F1738fs.
Identifiers: ClinVar variation 548266 (VCV000548266.2), dbSNP rs1555578542, ClinGen allele CA658824721.
Genomic context (GRCh38, chr17:43,063,877, plus strand): 5'-TAAAAATGCAATTCTGAGGTGTTAAAGGGAGGAGGGGAGAAATAGTATTATACTTACAGA[A>AG]ATAGCTAACTACCCATTTTCCTCCCGCAATTCCTAGAAAATATTTCAGTGTCCGTTCACA-3'